The following is an entry in ClinVar:

NM_001256789.3(CACNA1F):c.1774G>A (p.Gly592Arg)

Gene: CACNA1F (calcium voltage-gated channel subunit alpha1 F; minus strand). Cytogenetic location: Xp11.23.
Variant type: single nucleotide variant.
Coding change: c.1774G>A on transcript NM_001256789.3 (MANE Select); coding-DNA position 1774, G replaced by A.
Protein change: p.Gly592Arg; replaces glycine 592 with arginine.
Molecular consequence: missense variant.
Genome position (GRCh38, 1-based): chrX:49,224,864, C>T on the plus strand (G>A on the coding strand, the complement: CACNA1F is on the minus strand). VCF-style: chrX-49224864-C-T. GRCh37 (hg19) VCF-style: chrX-49081326-C-T.
Other names: c.1612G>A, p.Gly538Arg (NM_001256790.3); c.1807G>A, p.Gly603Arg (NM_005183.4); short protein forms G538R, G592R, G603R.
Identifiers: ClinVar variation 4975257 (VCV004975257.1).

ClinVar aggregate classification (germline): Uncertain significance (1 of 4 stars; one submission).

Submission:

GeneDx
Classification: Uncertain significance. Last evaluated: 2026-01-24. Review status: criteria provided, single submitter. Criteria: GeneDx Variant Classification Process June 2021. Collection method: clinical testing. Allele origin: germline.
Comment: Has not been previously published as pathogenic or benign to our knowledge; In silico analysis supports that this missense variant has a deleterious effect on protein structure/function; In silico analysis suggests this variant may impact gene splicing. In the absence of RNA/functional studies, the actual effect of this sequence change is unknown.; Not observed at significant frequency in large population cohorts (gnomAD); This variant is associated with the following publications: (PMID: 33513752, 40400241, 22194652, 33668843)